The following is an entry in ClinVar:

NC_000007.13:g.(?_151262800)_(152373170_?)del

Genes: GALNTL5 (polypeptide N-acetylgalactosaminyltransferase like 5; plus strand), GALNT11 (polypeptide N-acetylgalactosaminyltransferase 11; plus strand), KMT2C (lysine methyltransferase 2C; minus strand), PRKAG2 (protein kinase AMP-activated non-catalytic subunit gamma 2; minus strand), XRCC2 (X-ray repair cross complementing 2; minus strand). Cytogenetic location: 7q36.1.
Variant type: Deletion.
Identifiers: ClinVar variation 1008074 (VCV001008074.6).

ClinVar aggregate classification (germline): no classifications from unflagged records (0 of 4 stars; one submission).

Conditions:
Lethal congenital glycogen storage disease of heart. Also called: GLYCOGEN STORAGE DISEASE OF HEART; PHOSPHORYLASE KINASE DEFICIENCY OF HEART. Identifiers: Orphanet 439854, MedGen C1849813, MONDO:0009867, OMIM 261740.

Submission:

Labcorp Genetics (formerly Invitae), Labcorp
Classification: Uncertain significance for Lethal congenital glycogen storage disease of heart. Last evaluated: 2016-05-07. Review status: flagged submission. Criteria: Invitae Variant Classification Sherloc (09022015). Collection method: clinical testing. Allele origin: germline.
Comment: A gross deletion of the genomic region encompassing the full coding sequence of the PRKAG2 gene has been identified. The boundaries of this event are unknown as the deletion extends beyond the assayed region for this gene and therefore may encompass additional genes. Gross deletions of the PRKAG2 gene have not been reported in the literature. However, larger deletions encompassing this gene have been reported in an individual affected with 7q36 subtelomeric deletion syndrome (PMID: 25606385) and in an individual affected with intellectual disability, long QT intervals and sinus tachycardia (PMID: 18348270). In summary this is a rare gene deletion which has been previously reported in affected individuals as part of a larger genomic deletion. For these reasons it has been classified as a Variant of Uncertain Significance.
ClinVar note: Notes: This submission was flagged because its interpretation of this variant conflicts with the ClinGen Gene Dosage Map curation for the gene KMT2C.
ClinVar note: Reason: Conflict with ClinGen Gene Dosage Map

Literature cited by the submitters: PubMed 25606385; PubMed 18348270.